The following is an entry in ClinVar:

ClinVar aggregate classification (germline): Uncertain significance. Review status: criteria provided, multiple submitters, no conflicts (2 of 4 stars). 3 submissions from 3 submitters: Uncertain significance (3). Last evaluated 2025-02-05.

Conditions:
Inherited glutathione synthetase deficiency. Identifiers: Orphanet 32, MedGen C5979912, MONDO:0017909.

Allele frequency attached by ClinVar (database versions not stated): ExAC 0.00002; gnomAD exomes 0.00004.
gnomAD v4.1: 92 of 1,613,888 alleles (0.0057%); highest among the groups gnomAD compares: Non-Finnish European, 0.0073%; no homozygotes.

Submissions (3):

ARUP Laboratories, Molecular Genetics and Genomics, ARUP Laboratories
Classification: Uncertain significance. Last evaluated: 2025-02-05. Review status: criteria provided, single submitter. Criteria: ARUP Molecular Germline Variant Investigation Process 2024. Collection method: clinical testing. Allele origin: germline.
Comment: The GSS c.1234C>T; p.Arg412Trp variant (rs767231017), to our knowledge, is not reported in the medical literature but is reported in ClinVar (Variation ID: 1498729). This variant is found in the general population with an overall allele frequency of 0.004% (13/282780 alleles) in the Genome Aggregation Database (v2.1.1). Computational analyses predict that this variant is deleterious (REVEL: 0.887). Due to limited information, the clinical significance of this variant is uncertain at this time.

Revvity Omics, Revvity
Classification: Uncertain significance. Last evaluated: 2024-09-21. Review status: criteria provided, single submitter. Criteria: ACMG Guidelines, 2015. Collection method: clinical testing. Allele origin: germline.

Labcorp Genetics (formerly Invitae), Labcorp
Classification: Uncertain significance for Glutathione synthetase deficiency with 5-oxoprolinuria. Last evaluated: 2021-11-01. Review status: criteria provided, single submitter. Criteria: Invitae Variant Classification Sherloc (09022015). Collection method: clinical testing. Allele origin: germline.
Comment: This sequence change replaces arginine, which is basic and polar, with tryptophan, which is neutral and slightly polar, at codon 412 of the GSS protein (p.Arg412Trp). This variant is present in population databases (rs767231017, gnomAD 0.008%). This variant has not been reported in the literature in individuals affected with GSS-related conditions. Algorithms developed to predict the effect of missense changes on protein structure and function are either unavailable or do not agree on the potential impact of this missense change (SIFT: "Deleterious"; PolyPhen-2: "Probably Damaging"; Align-GVGD: "Class C0"). In summary, the available evidence is currently insufficient to determine the role of this variant in disease. Therefore, it has been classified as a Variant of Uncertain Significance.

NM_000178.4(GSS):c.1234C>T (p.Arg412Trp)

Gene: GSS (glutathione synthetase; minus strand). Cytogenetic location: 20q11.22.
Variant type: single nucleotide variant.
Coding change: c.1234C>T on transcript NM_000178.4 (MANE Select); coding-DNA position 1234, C replaced by T.
Protein change: p.Arg412Trp; replaces arginine 412 with tryptophan.
Molecular consequence: missense variant.
Genome position (GRCh38, 1-based): chr20:34,929,468, G>A on the plus strand (C>T on the coding strand, the complement: GSS is on the minus strand). VCF-style: chr20-34929468-G-A. GRCh37 (hg19) VCF-style: chr20-33517271-G-A.
Other names: c.1234C>T, p.Arg412Trp (NM_001322494.1, NM_001322495.1); short protein forms R412W.
Identifiers: ClinVar variation 1498729 (VCV001498729.6), dbSNP rs767231017, ClinGen allele CA9825835.